The following is an entry in ClinVar:

NM_000426.4(LAMA2):c.4945G>A (p.Glu1649Lys)

Gene: LAMA2 (laminin subunit alpha 2; plus strand). Cytogenetic location: 6q22.33.
Variant type: single nucleotide variant.
Coding change: c.4945G>A on transcript NM_000426.4 (MANE Select); coding-DNA position 4945, G replaced by A.
Protein change: p.Glu1649Lys; replaces glutamic acid 1649 with lysine.
Molecular consequence: missense variant.
Genome position (GRCh38, 1-based): chr6:129,369,976, G>A. VCF-style: chr6-129369976-G-A. GRCh37 (hg19) VCF-style: chr6-129691121-G-A.
Other names: c.4945G>A, p.Glu1649Lys (NM_001079823.2); short protein forms E1649K.
Identifiers: ClinVar variation 967271 (VCV000967271.6), dbSNP rs143215851, ClinGen allele CA3993725.
Genomic context (GRCh38, chr6:129,369,976, plus strand): 5'-CCAGAGAGGCTTATTCAGCTGGCAGAGGGCAATCTGAATACACTCGTGACCGAAATGAAC[G>A]AGCTGCTGACCAGGGTAAGGTGGCAAAATTATGAATCTTCTGAAAGCAGATAGATTATGT-3'
Protein context (NP_000417.3, residues 1639-1659): NLNTLVTEMN[Glu1649Lys]LLTRATKVTA

ClinVar aggregate classification (germline): Uncertain significance. Review status: criteria provided, multiple submitters, no conflicts (2 of 4 stars). 2 submissions from 2 submitters: Uncertain significance (2). Last evaluated 2019-11-19.

Conditions:
LAMA2-related muscular dystrophy (LAMA2-RD). Also called: Laminin alpha 2-related dystrophy. Identifiers: MedGen C5679788, MONDO:0100228.

Allele frequency attached by ClinVar (database versions not stated): TOPMed 0.00005; ESP Exome Variant Server 0.00015.
gnomAD v4.1: 61 of 1,613,894 alleles (0.0038%); highest among the groups gnomAD compares: Non-Finnish European, 0.0045%; no homozygotes.

Submissions (2):

Labcorp Genetics (formerly Invitae), Labcorp
Classification: Uncertain significance for LAMA2-related muscular dystrophy. Last evaluated: 2019-11-19. Review status: criteria provided, single submitter. Criteria: Invitae Variant Classification Sherloc (09022015). Collection method: clinical testing. Allele origin: germline.
Comment: This sequence change replaces glutamic acid with lysine at codon 1649 of the LAMA2 protein (p.Glu1649Lys). The glutamic acid residue is moderately conserved and there is a small physicochemical difference between glutamic acid and lysine. This variant is present in population databases (rs143215851, ExAC 0.02%). This variant has not been reported in the literature in individuals with LAMA2-related disease. Algorithms developed to predict the effect of missense changes on protein structure and function (SIFT, PolyPhen-2, Align-GVGD) all suggest that this variant is likely to be tolerated, but these predictions have not been confirmed by published functional studies and their clinical significance is uncertain. In summary, the available evidence is currently insufficient to determine the role of this variant in disease. Therefore, it has been classified as a Variant of Uncertain Significance.

Revvity Omics, Revvity
Classification: Uncertain significance. Last evaluated: 2019-07-30. Review status: criteria provided, single submitter. Criteria: ACMG Guidelines, 2015. Collection method: clinical testing. Allele origin: germline.